The following is an entry in ClinVar:

NM_000255.4(MMUT):c.1400G>A (p.Arg467Gln)

Gene: MMUT (methylmalonyl-CoA mutase; minus strand). Cytogenetic location: 6p12.3.
Variant type: single nucleotide variant.
Coding change: c.1400G>A on transcript NM_000255.4 (MANE Select); coding-DNA position 1400, G replaced by A.
Protein change: p.Arg467Gln; replaces arginine 467 with glutamine.
Molecular consequence: missense variant.
Genome position (GRCh38, 1-based): chr6:49,448,860, C>T on the plus strand (G>A on the coding strand, the complement: MMUT is on the minus strand). VCF-style: chr6-49448860-C-T. GRCh37 (hg19) VCF-style: chr6-49416573-C-T.
Other names: short protein forms R467Q.
Identifiers: ClinVar variation 965332 (VCV000965332.8), dbSNP rs147737629, ClinGen allele CA3846892.

ClinVar aggregate classification (germline): Uncertain significance. Review status: criteria provided, multiple submitters, no conflicts (2 of 4 stars). 3 submissions from 3 submitters: Uncertain significance (2). 1 of the submissions does not count toward it. Last evaluated 2024-11-04.

Conditions:
Methylmalonic aciduria due to complete methylmalonyl-CoA mutase deficiency.
Methylmalonic aciduria due to methylmalonyl-CoA mutase deficiency (MAMM). Also called: Methylmalonic aciduria, mut type. Identifiers: Orphanet 27, MedGen C1855114, MONDO:0009612, OMIM 251000.

Allele frequency attached by ClinVar (database versions not stated): gnomAD 0.00001; gnomAD exomes 0.00002 and 0.00006; TOPMed 0.00002; ExAC 0.00006; ESP Exome Variant Server 0.00008.
gnomAD v4.1: 29 of 1,613,444 alleles (0.0018%); highest among the groups gnomAD compares: Admixed American, 0.0083%; no homozygotes.

Submissions (3):

Labcorp Genetics (formerly Invitae), Labcorp
Classification: Uncertain significance. Last evaluated: 2024-11-04. Review status: criteria provided, single submitter. Criteria: Invitae Variant Classification Sherloc (09022015). Collection method: clinical testing. Allele origin: germline.
Comment: This sequence change replaces arginine, which is basic and polar, with glutamine, which is neutral and polar, at codon 467 of the MUT protein (p.Arg467Gln). The frequency data for this variant in the population databases is considered unreliable, as metrics indicate poor data quality at this position in the gnomAD database. This variant has not been reported in the literature in individuals affected with MUT-related conditions. ClinVar contains an entry for this variant (Variation ID: 965332). Invitae Evidence Modeling of protein sequence and biophysical properties (such as structural, functional, and spatial information, amino acid conservation, physicochemical variation, residue mobility, and thermodynamic stability) has been performed for this missense variant. However, the output from this modeling did not meet the statistical confidence thresholds required to predict the impact of this variant on MUT protein function. In summary, the available evidence is currently insufficient to determine the role of this variant in disease. Therefore, it has been classified as a Variant of Uncertain Significance.

Fulgent Genetics
Classification: Uncertain significance for Methylmalonic aciduria due to methylmalonyl-CoA mutase deficiency. Last evaluated: 2022-03-12. Review status: criteria provided, single submitter. Criteria: ACMG Guidelines, 2015. Collection method: clinical testing. Allele origin: unknown.

Natera, Inc.
Classification: Uncertain significance for Methylmalonic aciduria due to complete methylmalonyl-CoA mutase deficiency. Last evaluated: 2020-01-29. Review status: no assertion criteria provided. Collection method: clinical testing. Allele origin: germline. Not counted in ClinVar's aggregate classification.